The following is an entry in ClinVar:

ClinVar aggregate classification (germline): Uncertain significance (1 of 4 stars; one submission).

Submission:

GeneDx
Classification: Uncertain significance. Last evaluated: 2024-11-25. Review status: criteria provided, single submitter. Criteria: GeneDx Variant Classification Process June 2021. Collection method: clinical testing. Allele origin: germline. Affected: yes.
Comment: Not observed at significant frequency in large population cohorts (gnomAD); In silico analysis indicates that this missense variant does not alter protein structure/function; Has not been previously published as pathogenic or benign to our knowledge

NM_003128.3(SPTBN1):c.4657A>G (p.Thr1553Ala)

Gene: SPTBN1 (spectrin beta, non-erythrocytic 1; plus strand). Cytogenetic location: 2p16.2.
Variant type: single nucleotide variant.
Coding change: c.4657A>G on transcript NM_003128.3 (MANE Select); coding-DNA position 4657, A replaced by G.
Protein change: p.Thr1553Ala; replaces threonine 1553 with alanine.
Molecular consequence: missense variant.
Genome position (GRCh38, 1-based): chr2:54,646,266, A>G. VCF-style: chr2-54646266-A-G. GRCh37 (hg19) VCF-style: chr2-54873403-A-G.
Other names: c.4618A>G, p.Thr1540Ala (NM_178313.3); short protein forms T1540A, T1553A.
Identifiers: ClinVar variation 3900561 (VCV003900561.1).
Genomic context (GRCh38, chr2:54,646,266, plus strand): 5'-GAAATCCAGGGGCACCAGCCTCGCATTGACGACATCTTTGAGAGGAGCCAAAACATCGTC[A>G]CTGACAGCAGCAGCCTCAGCGCTGAGGCCATCAGACAGAGGCTTGCCGACCTGAAGCAGC-3'
Protein context (NP_003119.2, residues 1543-1563): DIFERSQNIV[Thr1553Ala]DSSSLSAEAI